The following is an entry in ClinVar:

NM_000038.6(APC):c.6592T>G (p.Leu2198Val)

Gene: APC (APC regulator of Wnt signaling pathway; plus strand). Cytogenetic location: 5q22.2.
Variant type: single nucleotide variant.
Coding change: c.6592T>G on transcript NM_000038.6 (MANE Select); coding-DNA position 6592, T replaced by G.
Protein change: p.Leu2198Val; replaces leucine 2198 with valine.
Molecular consequence: missense variant.
Genome position (GRCh38, 1-based): chr5:112,842,186, T>G. VCF-style: chr5-112842186-T-G. GRCh37 (hg19) VCF-style: chr5-112177883-T-G.
Other names: c.6592T>G, p.Leu2198Val (NM_001127510.3, NM_001354895.2); c.6538T>G, p.Leu2180Val (NM_001127511.3); c.6646T>G, p.Leu2216Val (NM_001354896.2); c.6622T>G, p.Leu2208Val (NM_001354897.2); c.6517T>G, p.Leu2173Val (NM_001354898.2); c.6508T>G, p.Leu2170Val (NM_001354899.2); c.6469T>G, p.Leu2157Val (NM_001354900.2); c.6415T>G, p.Leu2139Val (NM_001354901.2); and 5 more; short protein forms L2157V, L2173V, L2180V, L2198V, L1915V, L2072V, L2170V, L2216V.
Identifiers: ClinVar variation 947575 (VCV000947575.13), dbSNP rs1766255868, ClinGen allele CA16035756.

ClinVar aggregate classification (germline): Uncertain significance. Review status: criteria provided, multiple submitters, no conflicts (2 of 4 stars). 2 submissions from 2 submitters: Uncertain significance (2). Last evaluated 2025-10-13.

Conditions:
Hereditary cancer-predisposing syndrome. Also called: Hereditary neoplastic syndrome; Neoplastic Syndromes, Hereditary; Tumor predisposition; Hereditary Cancer Syndrome. Identifiers: Orphanet 140162, MedGen C0027672, MeSH D009386, MONDO:0015356.
Familial adenomatous polyposis 1 (FAP1). Also called: FAMILIAL ADENOMATOUS POLYPOSIS 1, ATTENUATED; POLYPOSIS, ADENOMATOUS INTESTINAL. Identifiers: MedGen C2713442, MONDO:0021056, OMIM 175100. Disease mechanism: loss of function.

Submissions (2):

Labcorp Genetics (formerly Invitae), Labcorp
Classification: Uncertain significance for Familial adenomatous polyposis 1. Last evaluated: 2025-10-13. Review status: criteria provided, single submitter. Criteria: Invitae Variant Classification Sherloc (09022015). Collection method: clinical testing. Allele origin: germline.
Comment: This sequence change replaces leucine, which is neutral and non-polar, with valine, which is neutral and non-polar, at codon 2198 of the APC protein (p.Leu2198Val). This variant is not present in population databases (gnomAD no frequency). This variant has not been reported in the literature in individuals affected with APC-related conditions. ClinVar contains an entry for this variant (Variation ID: 947575). Invitae Evidence Modeling of protein sequence and biophysical properties (such as structural, functional, and spatial information, amino acid conservation, physicochemical variation, residue mobility, and thermodynamic stability) indicates that this missense variant is not expected to disrupt APC protein function with a negative predictive value of 95%. In summary, the available evidence is currently insufficient to determine the role of this variant in disease. Therefore, it has been classified as a Variant of Uncertain Significance.

Ambry Genetics
Classification: Uncertain significance for Hereditary cancer-predisposing syndrome. Last evaluated: 2023-07-27. Review status: criteria provided, single submitter. Criteria: Ambry Variant Classification Scheme 2023. Collection method: clinical testing. Allele origin: germline.
Comment: The p.L2198V variant (also known as c.6592T>G), located in coding exon 15 of the APC gene, results from a T to G substitution at nucleotide position 6592. The leucine at codon 2198 is replaced by valine, an amino acid with highly similar properties. This amino acid position is well conserved in available vertebrate species. In addition, in silico predictors for this gene do not accurately predict pathogenicity. Since supporting evidence is limited at this time, the clinical significance of this alteration remains unclear.